The following is an entry in ClinVar:

ClinVar aggregate classification (germline): Likely benign. Review status: criteria provided, multiple submitters, no conflicts (2 of 4 stars). 2 submissions from 2 submitters: Likely benign (2). Last evaluated 2026-07-01.

Allele frequency attached by ClinVar (database versions not stated): TOPMed 0.00001; gnomAD exomes 0.00002.
gnomAD v4.1: 29 of 1,613,798 alleles (0.0018%); highest among the groups gnomAD compares: Middle Eastern, 0.017%; no homozygotes.

Submissions (2):

CeGaT Center for Human Genetics Tuebingen
Classification: Likely benign. Last evaluated: 2026-07-01. Review status: criteria provided, single submitter. Criteria: CeGaT Center For Human Genetics Tuebingen Variant Classification Criteria Version 2. Collection method: clinical testing. Allele origin: germline. Affected: yes. Observed: 1 variant allele.
Comment: AARS2: BP4, BP7

Labcorp Genetics (formerly Invitae), Labcorp
Classification: Likely benign. Last evaluated: 2024-10-29. Review status: criteria provided, single submitter. Criteria: Invitae Variant Classification Sherloc (09022015). Collection method: clinical testing. Allele origin: germline.

NM_020745.4(AARS2):c.1491T>C (p.His497=)

Gene: AARS2 (alanyl-tRNA synthetase 2, mitochondrial; minus strand). Cytogenetic location: 6p21.1.
Variant type: single nucleotide variant.
Coding change: c.1491T>C on transcript NM_020745.4 (MANE Select); coding-DNA position 1491, T replaced by C.
Protein change: p.His497=; no amino-acid change (histidine 497 retained).
Molecular consequence: synonymous variant.
Genome position (GRCh38, 1-based): chr6:44,305,142, A>G on the plus strand (T>C on the coding strand, the complement: AARS2 is on the minus strand). VCF-style: chr6-44305142-A-G. GRCh37 (hg19) VCF-style: chr6-44272879-A-G.
Identifiers: ClinVar variation 2802069 (VCV002802069.4), dbSNP rs1198550850, ClinGen allele CA450316691.
Genomic context (GRCh38, chr6:44,305,142, plus strand): 5'-GTTGTACTTGGGGCTGTCGTCAGTTGGGGGCACTCCTTGGCGCTGCAGCTCCCCAAGCGC[A>G]TGGACATCAAGCCACAATCCCTGCTTCTGAACTGGCTCAGCCTGCCGTGCCCGGTGCTGC-3'
Protein context (NP_065796.2, residues 487-507): VQKQGLWLDV[His497=]ALGELQRQGV